The following is an entry in ClinVar:

ClinVar aggregate classification (germline): Benign/Likely benign. Review status: criteria provided, multiple submitters, no conflicts (2 of 4 stars). 7 submissions from 7 submitters: Benign (1); Likely benign (3). 3 of the submissions do not count toward it. Last evaluated 2026-01-24.

Conditions:
LOXHD1-related disorder. Also called: LOXHD1-related condition.
Inborn genetic diseases. Identifiers: MedGen C0950123, MeSH D030342.
Autosomal recessive nonsyndromic hearing loss 77. Identifiers: Orphanet 90636, MedGen C2746083, MONDO:0013119, OMIM 613079.

Allele frequency attached by ClinVar (database versions not stated): gnomAD exomes 0.00018 and 0.00059; ExAC 0.00106; ESP Exome Variant Server 0.00110; gnomAD 0.00203 and 0.00212; 1000 Genomes Project 30x 0.00234; 1000 Genomes Project 0.00240; TOPMed 0.00250.
gnomAD v4.1: 573 of 1,551,754 alleles (0.037%); highest among the groups gnomAD compares: African/African-American, 0.71%; 1 homozygote.

Submissions (7):

Labcorp Genetics (formerly Invitae), Labcorp
Classification: Benign. Last evaluated: 2026-01-24. Review status: criteria provided, single submitter. Criteria: Invitae Variant Classification Sherloc (09022015). Collection method: clinical testing. Allele origin: germline.

Ambry Genetics
Classification: Likely benign for Inborn genetic diseases. Last evaluated: 2025-08-07. Review status: criteria provided, single submitter. Criteria: Ambry Variant Classification Scheme 2023. Collection method: clinical testing. Allele origin: germline.

Eurofins Ntd Llc (ga)
Classification: Likely benign. Last evaluated: 2016-02-26. Review status: criteria provided, single submitter. Criteria: EGL Classification Definitions 2015. Collection method: clinical testing. Allele origin: germline. Observed: 1 variant allele, 1 heterozygote.

Laboratory for Molecular Medicine, Mass General Brigham Personalized Medicine
Classification: Likely benign. Last evaluated: 2015-05-03. Review status: criteria provided, single submitter. Criteria: LMM Criteria. Collection method: clinical testing. Allele origin: germline. Observed: 2 variant alleles.
Comment: p.Val1608Ile in exon 31 of LOXHD1: This variant is not expected to have clinical significance because it has been identified in 0.8% (22/2752) of African chromo somes by the Exome Aggregation Consortium (ExAC; dbSNP rs140042576). In addition, the valine (Val) at position 1608 is not cons erved across species, with several mammals having an isoleucine (Ile) at this po sition.

PreventionGenetics, part of Exact Sciences
Classification: Benign for LOXHD1-related condition. Last evaluated: 2021-02-03. Review status: no assertion criteria provided. Collection method: clinical testing. Allele origin: germline. Not counted in ClinVar's aggregate classification.
Comment: This variant is classified as benign based on ACMG/AMP sequence variant interpretation guidelines (Richards et al. 2015 PMID: 25741868, with internal and published modifications).

Natera, Inc.
Classification: Likely benign for Autosomal recessive deafness type 77. Last evaluated: 2019-11-11. Review status: no assertion criteria provided. Collection method: clinical testing. Allele origin: germline. Not counted in ClinVar's aggregate classification.

Counsyl
Classification: Uncertain significance for Autosomal recessive nonsyndromic hearing loss 77. Last evaluated: 2017-11-01. Review status: no assertion criteria provided. Collection method: clinical testing. Allele origin: unknown. Not counted in ClinVar's aggregate classification.

NM_001384474.1(LOXHD1):c.4822G>A (p.Val1608Ile)

Gene: LOXHD1 (lipoxygenase homology PLAT domains 1; minus strand). Cytogenetic location: 18q21.1.
Variant type: single nucleotide variant.
Coding change: c.4822G>A on transcript NM_001384474.1 (MANE Select); coding-DNA position 4822, G replaced by A.
Protein change: p.Val1608Ile; replaces valine 1608 with isoleucine.
Molecular consequence: missense variant.
Genome position (GRCh38, 1-based): chr18:46,524,520, C>T on the plus strand (G>A on the coding strand, the complement: LOXHD1 is on the minus strand). VCF-style: chr18-46524520-C-T. GRCh37 (hg19) VCF-style: chr18-44104483-C-T.
Other names: c.1489G>A, p.Val497Ile (NM_001145472.3); c.1201G>A, p.Val401Ile (NM_001308013.2); c.4822G>A, p.Val1608Ile (NM_144612.7); short protein forms V1608I, V401I, V497I.
Identifiers: ClinVar variation 163902 (VCV000163902.24), dbSNP rs140042576, ClinGen allele CA176621.